The following is an entry in ClinVar:

NM_001029.5(RPS26):c.17_20del (p.Arg6fs)

Gene: RPS26 (ribosomal protein S26; plus strand). Cytogenetic location: 12q13.2.
Variant type: Deletion.
Coding change: c.17_20del on transcript NM_001029.5 (MANE Select); coding-DNA positions 17 to 20, 4 bases deleted (GGAA; older notation c.17_20delGGAA).
Protein change: p.Arg6fs; shifts the reading frame from arginine 6.
Molecular consequence: frameshift variant.
Genome position (GRCh38, 1-based): chr12:56,042,438-56,042,441, GGAA deleted; deleting any 4 consecutive bases within chr12:56,042,435-56,042,441 gives the same sequence; the c. name uses the placement nearest the transcript's 3' end. VCF-style (leftmost placement, unchanged base first): chr12-56042434-AGAAG-A. GRCh37 (hg19) VCF-style: chr12-56436218-AGAAG-A.
Other names: short protein forms R6fs.
Identifiers: ClinVar variation 3643952 (VCV003643952.2).

ClinVar aggregate classification (germline): Pathogenic (1 of 4 stars; one submission).

Conditions:
Diamond-Blackfan anemia 10 (DBA10). Also called: RPS26-Related Diamond-Blackfan Anemia. Identifiers: Orphanet 124, MedGen C2750080, MONDO:0013217, OMIM 613309.

Submission:

Labcorp Genetics (formerly Invitae), Labcorp
Classification: Pathogenic for Diamond-Blackfan anemia 10. Last evaluated: 2024-03-01. Review status: criteria provided, single submitter. Criteria: Invitae Variant Classification Sherloc (09022015). Collection method: clinical testing. Allele origin: germline.
Comment: This sequence change creates a premature translational stop signal (p.Arg6Thrfs*38) in the RPS26 gene. It is expected to result in an absent or disrupted protein product. Loss-of-function variants in RPS26 are known to be pathogenic (PMID: 20116044, 23718193). This variant is not present in population databases (gnomAD no frequency). This variant has not been reported in the literature in individuals affected with RPS26-related conditions. For these reasons, this variant has been classified as Pathogenic.

Literature cited by the submitters: PubMed 20116044; PubMed 23718193.